The following is an entry in ClinVar:

ClinVar aggregate classification (germline): Pathogenic (1 of 4 stars; one submission).

Submission:

Labcorp Genetics (formerly Invitae), Labcorp
Classification: Pathogenic. Last evaluated: 2021-12-23. Review status: criteria provided, single submitter. Criteria: Invitae Variant Classification Sherloc (09022015). Collection method: clinical testing. Allele origin: germline.
Comment: For these reasons, this variant has been classified as Pathogenic. This variant has not been reported in the literature in individuals affected with SLC12A3-related conditions. This variant is not present in population databases (gnomAD no frequency). This sequence change creates a premature translational stop signal (p.Ala464Glyfs*61) in the SLC12A3 gene. It is expected to result in an absent or disrupted protein product. Loss-of-function variants in SLC12A3 are known to be pathogenic (PMID: 20848653, 22009145, 25841442).

Literature cited by the submitters: PubMed 20848653; PubMed 22009145; PubMed 25841442.

NM_001126108.2(SLC12A3):c.1390dup (p.Ala464fs)

Gene: SLC12A3 (solute carrier family 12 member 3; plus strand). Cytogenetic location: 16q13.
Variant type: Duplication.
Coding change: c.1390dup on transcript NM_001126108.2 (MANE Select); coding-DNA position 1390, one base duplicated (G; older notation c.1390dupG).
Protein change: p.Ala464fs; shifts the reading frame from alanine 464.
Molecular consequence: frameshift variant.
Genome position (GRCh38, 1-based): chr16:56,879,596, G duplicated; the last of 4 consecutive G bases (chr16:56,879,593-56,879,596); duplicating any one gives the same sequence. VCF-style (leftmost placement, unchanged base first): chr16-56879592-C-CG. GRCh37 (hg19) VCF-style: chr16-56913504-C-CG.
Other names: c.1390dup, p.Ala464fs (NM_000339.3); c.1387dup, p.Ala463fs (NM_001126107.2); c.1387dup, p.Ala463Glyfs (NM_001410896.1); short protein forms A463fs, A464fs.
Identifiers: ClinVar variation 2055800 (VCV002055800.4), dbSNP rs2543504675, ClinGen allele CA2580091681.
Genomic context (GRCh38, chr16:56,879,592, plus strand): 5'-ATCCCCACAGACCATGAGCATGGTGTCAGGCTTCGCGCCCCTGATCACGGCTGGCATCTT[C>CG]GGGGCCACCCTCTCCTCTGCCCTGGCCTGCCTTGTCTCTGCTGCCAAAGTCTTCCAGGTG-3'